The following is an entry in ClinVar:

ClinVar aggregate classification (germline): Likely pathogenic (1 of 4 stars; one submission).

Conditions:
Ehlers-Danlos syndrome, classic type, 1 (EDSCL1). Also called: Ehlers-Danlos Syndrome, Classic Type, COL5A1-Related; EDS I; Ehlers-Danlos syndrome, type 1; EHLERS-DANLOS SYNDROME, GRAVIS TYPE; EHLERS-DANLOS SYNDROME, SEVERE CLASSIC TYPE. Identifiers: MedGen C0268335, MONDO:0019567, OMIM 130000.

Submission:

Labcorp Genetics (formerly Invitae), Labcorp
Classification: Likely pathogenic for Ehlers-Danlos syndrome, classic type, 1. Last evaluated: 2017-09-08. Review status: criteria provided, single submitter. Criteria: Invitae Variant Classification Sherloc (09022015). Collection method: clinical testing. Allele origin: germline.
Comment: This sequence change affects a donor splice site in intron 46 of the COL5A2 gene. It is expected to disrupt RNA splicing and likely results in an absent or disrupted protein product. This variant is not present in population databases (ExAC no frequency). In summary, the currently available evidence indicates that the variant is pathogenic, but additional data are needed to prove that conclusively. Therefore, this variant has been classified as Likely Pathogenic. Donor and acceptor splice site variants typically lead to a loss of protein function (PMID: 16199547), and loss-of-function variants in COL5A2 are known to be pathogenic (PMID: 23587214). Algorithms developed to predict the effect of sequence changes on RNA splicing suggest that this variant may disrupt the consensus splice site, but this prediction has not been confirmed by published transcriptional studies. This variant has not been reported in the literature in individuals with COL5A2-related disease.

Literature cited by the submitters: PubMed 16199547; PubMed 23587214.

NM_000393.5(COL5A2):c.3309+1G>A

Gene: COL5A2 (collagen type V alpha 2 chain; minus strand). Cytogenetic location: 2q32.2.
Variant type: single nucleotide variant.
Coding change: c.3309+1G>A on transcript NM_000393.5 (MANE Select); the canonical splice donor site of the intron after coding-DNA position 3309, G replaced by A.
Molecular consequence: splice donor variant.
Genome position (GRCh38, 1-based): chr2:189,045,799, C>T on the plus strand (G>A on the coding strand, the complement: COL5A2 is on the minus strand). VCF-style: chr2-189045799-C-T. GRCh37 (hg19) VCF-style: chr2-189910525-C-T.
Identifiers: ClinVar variation 529249 (VCV000529249.9), dbSNP rs1553513657, ClinGen allele CA349862446.
Genomic context (GRCh38, chr2:189,045,799, plus strand): 5'-AGCTTATAACATAGCATATGGGTGTGCAAAACTGTCAGTGTGAAATTGACTCCCTCCTTA[C>T]CGGATCTCCTCTTTGTCCTGCATCTCCTGGAGCACCCACAGGGCCAGGAGTTCCAGGGGC-3'